The following is an entry in ClinVar:

NM_000138.5(FBN1):c.8241A>G (p.Thr2747=)

Gene: FBN1 (fibrillin 1; minus strand). Cytogenetic location: 15q21.1.
Variant type: single nucleotide variant.
Coding change: c.8241A>G on transcript NM_000138.5 (MANE Select); coding-DNA position 8241, A replaced by G.
Protein change: p.Thr2747=; no amino-acid change (threonine 2747 retained).
Molecular consequence: synonymous variant.
Genome position (GRCh38, 1-based): chr15:48,411,365, T>C on the plus strand (A>G on the coding strand, the complement: FBN1 is on the minus strand). VCF-style: chr15-48411365-T-C. GRCh37 (hg19) VCF-style: chr15-48703562-T-C.
Other names: c.8241A>G, p.Thr2747= (NM_001406716.1).
Identifiers: ClinVar variation 1762596 (VCV001762596.5), dbSNP rs1460136746, ClinGen allele CA490119046.

ClinVar aggregate classification (germline): Likely benign. Review status: criteria provided, multiple submitters, no conflicts (2 of 4 stars). 3 submissions from 3 submitters: Likely benign (3). Last evaluated 2024-02-27.

Conditions:
Marfan syndrome (MFS). Also called: Marfan's syndrome; Marfan syndrome, classic; MARFAN SYNDROME, TYPE I; Marfan syndrome type 1; FBN1-Related Marfan Syndrome. Identifiers: Orphanet 284963, Orphanet 558, MedGen C0024796, MONDO:0007947, OMIM 154700.
Familial thoracic aortic aneurysm and aortic dissection (TAAD). Also called: Thoracic aortic aneurysms and dissections. Identifiers: Orphanet 91387, MedGen C4707243, MONDO:0019625.

Allele frequency attached by ClinVar (database versions not stated): gnomAD 0.00001; gnomAD exomes below 0.00001.
gnomAD v4.1: 3 of 1,613,946 alleles (0.00019%); highest among the groups gnomAD compares: Non-Finnish European, 0.00025%; no homozygotes.

Submissions (3):

Labcorp Genetics (formerly Invitae), Labcorp
Classification: Likely benign for Marfan syndrome; Familial thoracic aortic aneurysm and aortic dissection. Last evaluated: 2024-02-27. Review status: criteria provided, single submitter. Criteria: Invitae Variant Classification Sherloc (09022015). Collection method: clinical testing. Allele origin: germline.

All of Us Research Program, National Institutes of Health
Classification: Likely benign for Marfan syndrome. Last evaluated: 2023-10-23. Review status: criteria provided, single submitter. Criteria: ACMG Guidelines, 2015. Collection method: clinical testing. Allele origin: germline. Inheritance: Autosomal dominant inheritance. Observed: 1 variant allele, 1 heterozygote.
Comment: This study involves interpretation of variants in research participants for the purpose of population health screening. Participant phenotype was not available at the time of variant classification. Additional details can be found in publication PMID: 35346344, PMCID: PMC8962531

Ambry Genetics
Classification: Likely benign for Familial thoracic aortic aneurysm and aortic dissection. Last evaluated: 2019-12-07. Review status: criteria provided, single submitter. Criteria: Ambry Variant Classification Scheme 2023. Collection method: clinical testing. Allele origin: germline.